The following is an entry in ClinVar:

NM_006445.4(PRPF8):c.3716G>A (p.Arg1239His)

Gene: PRPF8 (pre-mRNA processing factor 8; minus strand). Cytogenetic location: 17p13.3.
Variant type: single nucleotide variant.
Coding change: c.3716G>A on transcript NM_006445.4 (MANE Select); coding-DNA position 3716, G replaced by A.
Protein change: p.Arg1239His; replaces arginine 1239 with histidine.
Molecular consequence: missense variant.
Genome position (GRCh38, 1-based): chr17:1,673,139, C>T on the plus strand (G>A on the coding strand, the complement: PRPF8 is on the minus strand). VCF-style: chr17-1673139-C-T. GRCh37 (hg19) VCF-style: chr17-1576433-C-T.
Other names: short protein forms R1239H.
Identifiers: ClinVar variation 4532584 (VCV004532584.2).

ClinVar aggregate classification (germline): Uncertain significance. Review status: criteria provided, multiple submitters, no conflicts (2 of 4 stars). 2 submissions from 2 submitters: Uncertain significance (2). Last evaluated 2025-05-25.

gnomAD v4.1: 1 of 1,614,100 alleles (0.000062%); highest among the groups gnomAD compares: Non-Finnish European, 0.000085%; no homozygotes.

Submissions (2):

GeneDx
Classification: Uncertain significance. Last evaluated: 2025-05-25. Review status: criteria provided, single submitter. Criteria: GeneDx Variant Classification Process June 2021. Collection method: clinical testing. Allele origin: germline. Affected: yes.
Comment: Not observed at significant frequency in large population cohorts (gnomAD); In silico analysis suggests that this missense variant does not alter protein structure/function; Has not been previously published as pathogenic or benign to our knowledge

Blueprint Genetics
Classification: Uncertain significance. Last evaluated: 2020-01-19. Review status: criteria provided, single submitter. Criteria: ACMG Guidelines, 2015. Collection method: clinical testing. Allele origin: germline.